The following is an entry in ClinVar:

NM_001384.5(DPH2):c.260G>T (p.Ser87Ile)

Gene: DPH2 (diphthamide biosynthesis 2; plus strand). Cytogenetic location: 1p34.1.
Variant type: single nucleotide variant.
Coding change: c.260G>T on transcript NM_001384.5 (MANE Select); coding-DNA position 260, G replaced by T.
Protein change: p.Ser87Ile; replaces serine 87 with isoleucine.
Molecular consequence: missense variant. On other transcripts: 5 prime UTR variant (3), nonsense (1).
Genome position (GRCh38, 1-based): chr1:43,970,708, G>T. VCF-style: chr1-43970708-G-T. GRCh37 (hg19) VCF-style: chr1-44436380-G-T.
Other names: c.260G>T, p.Ser87Ile (NM_001039589.2, NM_001319166.2); c.32G>T, p.Ser11Ile (NM_001319165.2, NM_001319168.2); c.-429G>T (NM_001319167.2); c.79G>T, p.Glu27Ter (NM_001319169.2); c.-380G>T (NM_001319170.2); c.-216G>T (NM_001319171.2); short protein forms E27*, S11I, S87I.
Identifiers: ClinVar variation 694731 (VCV000694731.5), dbSNP rs1571781453, ClinGen allele CA340069519.

ClinVar aggregate classification (germline): Uncertain significance (1 of 4 stars; one submission).

Conditions:
Macrocephaly. Also called: large head; Macrocephalus. Identifiers: MedGen C2243051, HP:0000256.
Intellectual disability. Also called: intellectual disabilities; Intellectual functioning disability; Intellectual developmental disorder. Identifiers: MedGen C3714756, MeSH D008607, MONDO:0001071, HP:0001249.
Global developmental delay (DD). Also called: Cognitive delay. Identifiers: MedGen C0557874, HP:0001263. Disease mechanism: loss of function.

Submission:

Diagnostics Services (NGS), CSIR - Centre For Cellular And Molecular Biology
Classification: Uncertain significance for Global developmental delay; Intellectual disability; Macrocephaly. Last evaluated: 2019-10-16. Review status: criteria provided, single submitter. Criteria: ACMG Guidelines, 2015. Collection method: clinical testing. Allele origin: unknown. Affected: yes. Observed: 1 homozygote.
Comment: DPH2 encodes for Diphthamide Biosynthesis Protein 2, one of several enzymes involved in synthesis of diphthamide in translation elongation factor-2 (EEF2). Diphthamide is a unique posttranslationally modified histidine found only in EEF2. This modification is conserved from archaebacteria to humans and serves as the target for ADP-ribosylation and inactivation of EEF2 by diphtheria toxin and Pseudomonas exotoxin A. DPH2 interacts with it's paralog protein DPH1 and previous studies suggested that these enzymes may function in diphthamide biosynthesis as a dimer or multimer (Liu et al. Molec Cell Biol 2004). Recently autosomal recessive variants in DPH1 gene have been associated with a rare neurodevelopmental disorder, known as Developmental delay with short stature, dysmorphic features, and sparse hair (MIM #616901), with clinical features, including intellectual disability, short stature, and craniofacial and ectodermal anomalies (Urreizti et al. Eur J Hum Genet 2019). The c.260G>T variant is not present in publicly available databases like 1000 Genomes, Exome Variant Server (EVS), Exome Aggregation Consortium (ExAC), Genome Aggregation Database (gnomAD) and dbSNP. The variant is also not present in our in-house exome database. The variant was also not reported to OMIM, ClinVar and Human Genome Mutation Database (HGMD) in any other affected individuals. In-silico splice-site aberration prediction program Human Splice Finder version 3.1 (HSF3.1) predicted possible effect of splicing due to alteration of the wild type donor site and creation of an exonic ESS (Exonic Splicing Silencer) region by this variant. In-silico pathogenicity prediction programs like Mutation Taster2, CADD etc. predicted this variant as likely disease causing. Since the variant has not been associated with any disorder till date and because it is a missense variant with no experimentally proven functional effect, the variant has been classified as uncertain significance.